The following is an entry in ClinVar:

ClinVar aggregate classification (germline): Likely benign. Review status: criteria provided, multiple submitters, no conflicts (2 of 4 stars). 4 submissions from 4 submitters: Likely benign (4). Last evaluated 2026-01-04.

Conditions:
Cardiovascular phenotype. Identifiers: MedGen CN230736.
Brugada syndrome 8 (BRGDA8). Identifiers: Orphanet 130, MedGen C2751083, MONDO:0013148, OMIM 613123.

Allele frequency attached by ClinVar (database versions not stated): gnomAD exomes below 0.00001 and 0.00001; TOPMed 0.00003; gnomAD 0.00005 and 0.00006.
gnomAD v4.1: 23 of 1,613,868 alleles (0.0014%); highest among the groups gnomAD compares: African/African-American, 0.0053%; no homozygotes.

Submissions (4):

Labcorp Genetics (formerly Invitae), Labcorp
Classification: Likely benign for Brugada syndrome 8. Last evaluated: 2026-01-04. Review status: criteria provided, single submitter. Criteria: Invitae Variant Classification Sherloc (09022015). Collection method: clinical testing. Allele origin: germline.

Women's Health and Genetics/Laboratory Corporation of America, LabCorp
Classification: Likely benign. Last evaluated: 2025-09-10. Review status: criteria provided, single submitter. Criteria: LabCorp Variant Classification Summary - May 2015. Collection method: clinical testing. Allele origin: germline.

Ambry Genetics
Classification: Likely benign for Cardiovascular phenotype. Last evaluated: 2021-12-21. Review status: criteria provided, single submitter. Criteria: Ambry Variant Classification Scheme 2023. Collection method: clinical testing. Allele origin: germline.

GeneDx
Classification: Likely benign. Last evaluated: 2016-10-12. Review status: criteria provided, single submitter. Criteria: GeneDx Variant Classification (06012015). Collection method: clinical testing. Allele origin: germline. Affected: yes.
Comment: This variant is considered likely benign or benign based on one or more of the following criteria: it is a conservative change, it occurs at a poorly conserved position in the protein, it is predicted to be benign by multiple in silico algorithms, and/or has population frequency not consistent with disease.

NM_005477.3(HCN4):c.1729C>T (p.Leu577=)

Gene: HCN4 (hyperpolarization activated cyclic nucleotide gated potassium channel 4; minus strand). Cytogenetic location: 15q24.1.
Variant type: single nucleotide variant.
Coding change: c.1729C>T on transcript NM_005477.3 (MANE Select); coding-DNA position 1729, C replaced by T.
Protein change: p.Leu577=; no amino-acid change (leucine 577 retained).
Molecular consequence: synonymous variant.
Genome position (GRCh38, 1-based): chr15:73,325,306, G>A on the plus strand (C>T on the coding strand, the complement: HCN4 is on the minus strand). VCF-style: chr15-73325306-G-A. GRCh37 (hg19) VCF-style: chr15-73617647-G-A.
Identifiers: ClinVar variation 389546 (VCV000389546.12), dbSNP rs1057523463, ClinGen allele CA16607874.
Genomic context (GRCh38, chr15:73,325,306, plus strand): 5'-GGCTGCCAGGAAGGCCTGGCTCCCCTCCACGCCGGGCCGCCACACAGCTCACCTCCCGCA[G>A]GGGCTCGCTTAGCTCGCCCAGGATGCTCTCCTCGTCGAACATCTTGCCCTGGTAGCGGTG-3'
Protein context (NP_005468.1, residues 567-587): ESILGELSEP[Leu577=]REEIINFNCR